The following is an entry in ClinVar:

NM_015570.4(AUTS2):c.2103C>G (p.His701Gln)

Gene: AUTS2 (activator of transcription and developmental regulator AUTS2; plus strand). Cytogenetic location: 7q11.22.
Variant type: single nucleotide variant.
Coding change: c.2103C>G on transcript NM_015570.4 (MANE Select); coding-DNA position 2103, C replaced by G.
Protein change: p.His701Gln; replaces histidine 701 with glutamine.
Molecular consequence: missense variant.
Genome position (GRCh38, 1-based): chr7:70,781,713, C>G. VCF-style: chr7-70781713-C-G. GRCh37 (hg19) VCF-style: chr7-70246699-C-G.
Other names: c.2031C>G, p.His677Gln (NM_001127231.3); short protein forms H701Q, H677Q.
Identifiers: ClinVar variation 3655807 (VCV003655807.2).

ClinVar aggregate classification (germline): Uncertain significance (1 of 4 stars; one submission).

gnomAD v4.1: 7 of 1,614,210 alleles (0.00043%); highest among the groups gnomAD compares: Admixed American, 0.012%; no homozygotes.

Submission:

Labcorp Genetics (formerly Invitae), Labcorp
Classification: Uncertain significance. Last evaluated: 2024-03-13. Review status: criteria provided, single submitter. Criteria: Invitae Variant Classification Sherloc (09022015). Collection method: clinical testing. Allele origin: germline.
Comment: This sequence change replaces histidine, which is basic and polar, with glutamine, which is neutral and polar, at codon 701 of the AUTS2 protein (p.His701Gln). This variant is present in population databases (rs752826428, gnomAD 0.02%). This variant has not been reported in the literature in individuals affected with AUTS2-related conditions. Advanced modeling of protein sequence and biophysical properties (such as structural, functional, and spatial information, amino acid conservation, physicochemical variation, residue mobility, and thermodynamic stability) performed at Invitae indicates that this missense variant is not expected to disrupt AUTS2 protein function with a negative predictive value of 80%. In summary, the available evidence is currently insufficient to determine the role of this variant in disease. Therefore, it has been classified as a Variant of Uncertain Significance.